The following is an entry in ClinVar:

NM_199420.4(POLQ):c.6430C>A (p.Pro2144Thr)

Gene: POLQ (DNA polymerase theta; minus strand). Cytogenetic location: 3q13.33.
Variant type: single nucleotide variant.
Coding change: c.6430C>A on transcript NM_199420.4 (MANE Select); coding-DNA position 6430, C replaced by A.
Protein change: p.Pro2144Thr; replaces proline 2144 with threonine.
Molecular consequence: missense variant.
Genome position (GRCh38, 1-based): chr3:121,473,463, G>T on the plus strand (C>A on the coding strand, the complement: POLQ is on the minus strand). VCF-style: chr3-121473463-G-T. GRCh37 (hg19) VCF-style: chr3-121192310-G-T.
Other names: short protein forms P2144T.
Identifiers: ClinVar variation 1753497 (VCV001753497.3), dbSNP rs375962847, ClinGen allele CA2562466.

ClinVar aggregate classification (germline): Uncertain significance (1 of 4 stars; one submission).

Allele frequency attached by ClinVar (database versions not stated): gnomAD 0.00001; ExAC 0.00002; ESP Exome Variant Server 0.00015.
gnomAD v4.1: 5 of 1,612,584 alleles (0.00031%); highest among the groups gnomAD compares: Admixed American, 0.0033%; no homozygotes.

Submission:

Ambry Genetics
Classification: Uncertain significance. Last evaluated: 2024-05-18. Review status: criteria provided, single submitter. Criteria: Ambry Variant Classification Scheme 2023. Collection method: clinical testing. Allele origin: germline.
Comment: The p.P2144T variant (also known as c.6430C>A), located in coding exon 21 of the POLQ gene, results from a C to A substitution at nucleotide position 6430. The proline at codon 2144 is replaced by threonine, an amino acid with highly similar properties. This amino acid position is conserved. In addition, this alteration is predicted to be tolerated by in silico analysis. Since supporting evidence is limited at this time, the clinical significance of this alteration remains unclear.